The following is an entry in ClinVar:

ClinVar aggregate classification (germline): Conflicting classifications of pathogenicity. Review status: criteria provided, conflicting classifications (1 of 4 stars). 6 submissions from 6 submitters: Uncertain significance (2); Benign (1); Likely benign (2). 1 of the submissions does not count toward it. Last evaluated 2026-04-20.

Conditions:
MANBA-related disorder. Also called: MANBA-related condition.
Beta-D-mannosidosis (MANSB). Also called: LYSOSOMAL BETA-MANNOSIDASE DEFICIENCY; MANNOSIDOSIS, BETA A, LYSOSOMAL; BETA-MANNOSIDASE DEFICIENCY; Beta-Mannosidosis. Identifiers: Orphanet 118, MedGen C4048196, MONDO:0009562, OMIM 248510.

Allele frequency attached by ClinVar (database versions not stated): TOPMed 0.00014; ESP Exome Variant Server 0.00023; 1000 Genomes Project 30x 0.00062; 1000 Genomes Project 0.00080; gnomAD 0.00084 and 0.00088.
gnomAD v4.1: 691 of 1,614,072 alleles (0.043%); highest among the groups gnomAD compares: African/African-American, 0.029%; 1 homozygote.

Submissions (6):

Women's Health and Genetics/Laboratory Corporation of America, LabCorp
Classification: Likely benign. Last evaluated: 2026-04-20. Review status: criteria provided, single submitter. Criteria: LabCorp Variant Classification Summary - May 2015. Collection method: clinical testing. Allele origin: germline.
Comment: Variant summary: MANBA c.479G>A (p.Arg160His) results in a non-conservative amino acid change in the encoded protein sequence. Algorithms developed to predict the effect of missense changes on protein structure and function are either unavailable or do not agree on the potential impact of this missense change. The variant allele was found at a frequency of 0.00088 in 251400 control chromosomes, predominantly at a frequency of 0.0085 within the Finnish subpopulation in the gnomAD database. The observed variant frequency within Finnish control individuals in the gnomAD database exceeds the estimated maximal expected allele frequency for disease-causing variants in MANBA. To our knowledge, no occurrence of c.479G>A in individuals affected with MANBA-related conditions and no experimental evidence demonstrating its impact on protein function have been reported. ClinVar contains an entry for this variant (Variation ID: 347098). Based on the evidence outlined above, the variant was classified as likely benign.

Labcorp Genetics (formerly Invitae), Labcorp
Classification: Benign for Beta-D-mannosidosis. Last evaluated: 2026-01-25. Review status: criteria provided, single submitter. Criteria: Invitae Variant Classification Sherloc (09022015). Collection method: clinical testing. Allele origin: germline.

Blueprint Genetics
Classification: Likely benign. Last evaluated: 2024-11-22. Review status: criteria provided, single submitter. Criteria: ACMG Guidelines, 2015. Collection method: clinical testing. Allele origin: germline.

Illumina Laboratory Services, Illumina
Classification: Uncertain significance for Beta-D-mannosidosis. Last evaluated: 2018-01-12. Review status: criteria provided, single submitter. Criteria: ICSL Variant Classification Criteria 13 December 2019. Collection method: clinical testing. Allele origin: germline.

Breakthrough Genomics
Classification: Uncertain significance. Review status: criteria provided, single submitter. Criteria: ACMG Guidelines, 2015. Collection method: not provided. Allele origin: germline. Inheritance: Autosomal recessive inheritance. Affected: yes.

PreventionGenetics, part of Exact Sciences
Classification: Benign for MANBA-related condition. Last evaluated: 2022-12-20. Review status: no assertion criteria provided. Collection method: clinical testing. Allele origin: germline. Not counted in ClinVar's aggregate classification.
Comment: This variant is classified as benign based on ACMG/AMP sequence variant interpretation guidelines (Richards et al. 2015 PMID: 25741868, with internal and published modifications).

NM_005908.4(MANBA):c.479G>A (p.Arg160His)

Gene: MANBA (mannosidase beta; minus strand). Cytogenetic location: 4q24.
Variant type: single nucleotide variant.
Coding change: c.479G>A on transcript NM_005908.4 (MANE Select); coding-DNA position 479, G replaced by A.
Protein change: p.Arg160His; replaces arginine 160 with histidine.
Molecular consequence: missense variant.
Genome position (GRCh38, 1-based): chr4:102,722,941, C>T on the plus strand (G>A on the coding strand, the complement: MANBA is on the minus strand). VCF-style: chr4-102722941-C-T. GRCh37 (hg19) VCF-style: chr4-103644098-C-T.
Other names: short protein forms R160H.
Identifiers: ClinVar variation 347098 (VCV000347098.14), dbSNP rs144917953, ClinGen allele CA3027208.